The following is an entry in ClinVar:

NM_001257293.2(HNRNPH1):c.-31-6T>G

Genes: HNRNPH1 (heterogeneous nuclear ribonucleoprotein H1; minus strand), LOC128966623 (uncharacterized LOC128966623; plus strand). Cytogenetic location: 5q35.3.
Variant type: single nucleotide variant.
Coding change: c.-31-6T>G on transcript NM_001257293.2 (MANE Select); 6 bases into the intron before 31 bases upstream of the start codon, T replaced by G.
Molecular consequence: intron variant. On other transcripts: 5 prime UTR variant (2).
Genome position (GRCh38, 1-based): chr5:179,623,170, A>C on the plus strand (T>G on the coding strand, the complement: HNRNPH1 is on the minus strand). VCF-style: chr5-179623170-A-C. GRCh37 (hg19) VCF-style: chr5-179050171-A-C.
Other names: NC_000005.9:g.179050171A>C; c.-37T>G (NM_001364238.2, NM_001395182.1); c.-31-6T>G (NM_001364233.2, NM_001364225.2, NM_001395193.1 and 38 more transcripts); c.-495-6T>G (NM_001364253.2, NM_001395194.1, NM_001395195.1 and 4 more transcripts); c.-396-6T>G (NM_001395190.1).
Identifiers: ClinVar variation 3904784 (VCV003904784.11).

ClinVar aggregate classification (germline): Likely benign (1 of 4 stars; one submission).

gnomAD v4.1: 9,373 of 1,483,084 alleles (0.63%); highest among the groups gnomAD compares: South Asian, 0.92%; 39 homozygotes.

Submissions (34):

CeGaT Center for Human Genetics Tuebingen
Classification: Likely benign. Last evaluated: 2026-06-01. Review status: criteria provided, single submitter. Criteria: CeGaT Center For Human Genetics Tuebingen Variant Classification Criteria Version 2. Collection method: clinical testing. Allele origin: germline. Affected: yes. Observed: 5 variant alleles.
Comment: HNRNPH1: BS2

Dr. Peter K. Rogan Lab, Western University
No classification provided (evidence only). Condition: Malignant tumor of urinary bladder. Review status: no classification provided. Collection method: in vitro. Allele origin: not applicable. Functional consequence: retained intron. Not counted in ClinVar's aggregate classification.

Dr. Peter K. Rogan Lab, Western University
No classification provided (evidence only). Condition: Malignant tumor of urinary bladder. Review status: no classification provided. Collection method: in vitro. Allele origin: not applicable. Functional consequence: retained intron. Not counted in ClinVar's aggregate classification.

Dr. Peter K. Rogan Lab, Western University
No classification provided (evidence only). Condition: Malignant tumor of urinary bladder. Review status: no classification provided. Collection method: in vitro. Allele origin: not applicable. Functional consequence: retained intron. Not counted in ClinVar's aggregate classification.

Dr. Peter K. Rogan Lab, Western University
No classification provided (evidence only). Condition: Malignant tumor of urinary bladder. Review status: no classification provided. Collection method: in vitro. Allele origin: not applicable. Functional consequence: retained intron. Not counted in ClinVar's aggregate classification.

Dr. Peter K. Rogan Lab, Western University
No classification provided (evidence only). Condition: Papillary renal cell carcinoma type 1. Review status: no classification provided. Collection method: in vitro. Allele origin: not applicable. Functional consequence: retained intron. Not counted in ClinVar's aggregate classification.

Dr. Peter K. Rogan Lab, Western University
No classification provided (evidence only). Condition: Lung cancer. Review status: no classification provided. Collection method: in vitro. Allele origin: not applicable. Functional consequence: retained intron. Not counted in ClinVar's aggregate classification.

Dr. Peter K. Rogan Lab, Western University
No classification provided (evidence only). Condition: Melanoma. Review status: no classification provided. Collection method: in vitro. Allele origin: not applicable. Functional consequence: retained intron. Not counted in ClinVar's aggregate classification.

Dr. Peter K. Rogan Lab, Western University
No classification provided (evidence only). Condition: Melanoma. Review status: no classification provided. Collection method: in vitro. Allele origin: not applicable. Functional consequence: retained intron. Not counted in ClinVar's aggregate classification.

Dr. Peter K. Rogan Lab, Western University
No classification provided (evidence only). Condition: Familial cancer of breast. Review status: no classification provided. Collection method: in vitro. Allele origin: not applicable. Functional consequence: retained intron. Not counted in ClinVar's aggregate classification.

Dr. Peter K. Rogan Lab, Western University
No classification provided (evidence only). Condition: Familial cancer of breast. Review status: no classification provided. Collection method: in vitro. Allele origin: not applicable. Functional consequence: retained intron. Not counted in ClinVar's aggregate classification.

Dr. Peter K. Rogan Lab, Western University
No classification provided (evidence only). Condition: Familial cancer of breast. Review status: no classification provided. Collection method: in vitro. Allele origin: not applicable. Functional consequence: retained intron. Not counted in ClinVar's aggregate classification.

Dr. Peter K. Rogan Lab, Western University
No classification provided (evidence only). Condition: Familial cancer of breast. Review status: no classification provided. Collection method: in vitro. Allele origin: not applicable. Functional consequence: retained intron. Not counted in ClinVar's aggregate classification.

Dr. Peter K. Rogan Lab, Western University
No classification provided (evidence only). Condition: Familial cancer of breast. Review status: no classification provided. Collection method: in vitro. Allele origin: not applicable. Functional consequence: retained intron. Not counted in ClinVar's aggregate classification.

Dr. Peter K. Rogan Lab, Western University
No classification provided (evidence only). Condition: Familial cancer of breast. Review status: no classification provided. Collection method: in vitro. Allele origin: not applicable. Functional consequence: retained intron. Not counted in ClinVar's aggregate classification.

Dr. Peter K. Rogan Lab, Western University
No classification provided (evidence only). Condition: Acute myeloid leukemia. Review status: no classification provided. Collection method: in vitro. Allele origin: not applicable. Functional consequence: retained intron. Not counted in ClinVar's aggregate classification.

Dr. Peter K. Rogan Lab, Western University
No classification provided (evidence only). Condition: Acute myeloid leukemia. Review status: no classification provided. Collection method: in vitro. Allele origin: not applicable. Functional consequence: retained intron. Not counted in ClinVar's aggregate classification.

Dr. Peter K. Rogan Lab, Western University
No classification provided (evidence only). Condition: Cervical cancer. Review status: no classification provided. Collection method: in vitro. Allele origin: not applicable. Functional consequence: retained intron. Not counted in ClinVar's aggregate classification.

Dr. Peter K. Rogan Lab, Western University
No classification provided (evidence only). Condition: Cervical cancer. Review status: no classification provided. Collection method: in vitro. Allele origin: not applicable. Functional consequence: retained intron. Not counted in ClinVar's aggregate classification.

Dr. Peter K. Rogan Lab, Western University
No classification provided (evidence only). Condition: Sarcoma. Review status: no classification provided. Collection method: in vitro. Allele origin: not applicable. Functional consequence: skipped exon, retained intron. Not counted in ClinVar's aggregate classification.

Dr. Peter K. Rogan Lab, Western University
No classification provided (evidence only). Condition: Nonpapillary renal cell carcinoma. Review status: no classification provided. Collection method: in vitro. Allele origin: not applicable. Functional consequence: retained intron. Not counted in ClinVar's aggregate classification.

Dr. Peter K. Rogan Lab, Western University
No classification provided (evidence only). Condition: Nonpapillary renal cell carcinoma. Review status: no classification provided. Collection method: in vitro. Allele origin: not applicable. Functional consequence: retained intron. Not counted in ClinVar's aggregate classification.

Dr. Peter K. Rogan Lab, Western University
No classification provided (evidence only). Condition: Thymoma. Review status: no classification provided. Collection method: in vitro. Allele origin: not applicable. Functional consequence: retained intron. Not counted in ClinVar's aggregate classification.

Dr. Peter K. Rogan Lab, Western University
No classification provided (evidence only). Condition: Cholangiocarcinoma. Review status: no classification provided. Collection method: in vitro. Allele origin: not applicable. Functional consequence: retained intron. Not counted in ClinVar's aggregate classification.

Dr. Peter K. Rogan Lab, Western University
No classification provided (evidence only). Condition: Ovarian serous cystadenocarcinoma. Review status: no classification provided. Collection method: in vitro. Allele origin: not applicable. Functional consequence: retained intron. Not counted in ClinVar's aggregate classification.

Dr. Peter K. Rogan Lab, Western University
No classification provided (evidence only). Condition: Ovarian serous cystadenocarcinoma. Review status: no classification provided. Collection method: in vitro. Allele origin: not applicable. Functional consequence: retained intron. Not counted in ClinVar's aggregate classification.

Dr. Peter K. Rogan Lab, Western University
No classification provided (evidence only). Condition: Ovarian serous cystadenocarcinoma. Review status: no classification provided. Collection method: in vitro. Allele origin: not applicable. Functional consequence: retained intron. Not counted in ClinVar's aggregate classification.

Dr. Peter K. Rogan Lab, Western University
No classification provided (evidence only). Condition: Ovarian serous cystadenocarcinoma. Review status: no classification provided. Collection method: in vitro. Allele origin: not applicable. Functional consequence: retained intron. Not counted in ClinVar's aggregate classification.

Dr. Peter K. Rogan Lab, Western University
No classification provided (evidence only). Condition: Ovarian serous cystadenocarcinoma. Review status: no classification provided. Collection method: in vitro. Allele origin: not applicable. Functional consequence: retained intron. Not counted in ClinVar's aggregate classification.

Dr. Peter K. Rogan Lab, Western University
No classification provided (evidence only). Condition: Gastric cancer. Review status: no classification provided. Collection method: in vitro. Allele origin: not applicable. Functional consequence: retained intron. Not counted in ClinVar's aggregate classification.

Dr. Peter K. Rogan Lab, Western University
No classification provided (evidence only). Condition: Gastric cancer. Review status: no classification provided. Collection method: in vitro. Allele origin: not applicable. Functional consequence: retained intron. Not counted in ClinVar's aggregate classification.

Dr. Peter K. Rogan Lab, Western University
No classification provided (evidence only). Condition: Malignant tumor of esophagus. Review status: no classification provided. Collection method: in vitro. Allele origin: not applicable. Functional consequence: retained intron. Not counted in ClinVar's aggregate classification.

Dr. Peter K. Rogan Lab, Western University
No classification provided (evidence only). Condition: Familial pancreatic carcinoma. Review status: no classification provided. Collection method: in vitro. Allele origin: not applicable. Functional consequence: retained intron. Not counted in ClinVar's aggregate classification.

Dr. Peter K. Rogan Lab, Western University
No classification provided (evidence only). Condition: Ovarian cancer. Review status: no classification provided. Collection method: in vitro. Allele origin: not applicable. Functional consequence: retained intron. Not counted in ClinVar's aggregate classification.